The following is an entry in ClinVar:

NM_015001.3(SPEN):c.6721G>A (p.Gly2241Arg)

Gene: SPEN (spen family transcriptional repressor; plus strand). Cytogenetic location: 1p36.13.
Variant type: single nucleotide variant.
Coding change: c.6721G>A on transcript NM_015001.3 (MANE Select); coding-DNA position 6721, G replaced by A.
Protein change: p.Gly2241Arg; replaces glycine 2241 with arginine.
Molecular consequence: missense variant.
Genome position (GRCh38, 1-based): chr1:15,932,961, G>A. VCF-style: chr1-15932961-G-A. GRCh37 (hg19) VCF-style: chr1-16259456-G-A.
Other names: short protein forms G2241R.
Identifiers: ClinVar variation 4998097 (VCV004998097.1).

ClinVar aggregate classification (germline): Uncertain significance (1 of 4 stars; one submission).

Conditions:
SPEN-related disorder. Also called: SPEN-related condition.

Submission:

PreventionGenetics, part of Exact Sciences
Classification: Uncertain significance for SPEN-related condition. Last evaluated: 2024-10-22. Review status: criteria provided, single submitter. Criteria: ACMG Guidelines, 2015. Collection method: clinical testing. Allele origin: germline.
Comment: The SPEN c.6721G>A variant is predicted to result in the amino acid substitution p.Gly2241Arg. To our knowledge, this variant has not been reported in the literature or in a large population database (gnomAD), indicating this variant is rare. At this time, the clinical significance of this variant is uncertain due to the absence of conclusive functional and genetic evidence.